The following is an entry in ClinVar:

ClinVar aggregate classification (germline): Conflicting classifications of pathogenicity. Review status: criteria provided, conflicting classifications (1 of 4 stars). 4 submissions from 4 submitters: Uncertain significance (2); Likely benign (1). 1 of the submissions does not count toward it. Last evaluated 2024-06-01.

Conditions:
GBA2-related disorder. Also called: GBA2-related condition.
Spastic paraplegia. Identifiers: MedGen C0037772, HP:0001258.

Allele frequency attached by ClinVar (database versions not stated): gnomAD 0.00002 and 0.00008; gnomAD exomes 0.00011 and 0.00018; TOPMed 0.00011; ExAC 0.00019; 1000 Genomes Project 30x 0.00094; 1000 Genomes Project 0.00100.
gnomAD v4.1: 163 of 1,606,868 alleles (0.01%); highest among the groups gnomAD compares: South Asian, 0.11%; 2 homozygotes.

Submissions (4):

CeGaT Center for Human Genetics Tuebingen
Classification: Uncertain significance. Last evaluated: 2024-06-01. Review status: criteria provided, single submitter. Criteria: CeGaT Center For Human Genetics Tuebingen Variant Classification Criteria Version 2. Collection method: clinical testing. Allele origin: germline. Affected: yes. Observed: 1 variant allele.
Comment: GBA2: PM2, BP4

Labcorp Genetics (formerly Invitae), Labcorp
Classification: Uncertain significance for Spastic paraplegia. Last evaluated: 2024-03-16. Review status: criteria provided, single submitter. Criteria: Invitae Variant Classification Sherloc (09022015). Collection method: clinical testing. Allele origin: germline.
Comment: This sequence change falls in intron 13 of the GBA2 gene. It does not directly change the encoded amino acid sequence of the GBA2 protein. It affects a nucleotide within the consensus splice site. This variant is present in population databases (rs148315388, gnomAD 0.1%). This variant has not been reported in the literature in individuals affected with GBA2-related conditions. ClinVar contains an entry for this variant (Variation ID: 509015). Variants that disrupt the consensus splice site are a relatively common cause of aberrant splicing (PMID: 17576681, 9536098). Algorithms developed to predict the effect of sequence changes on RNA splicing suggest that this variant is not likely to affect RNA splicing. In summary, the available evidence is currently insufficient to determine the role of this variant in disease. Therefore, it has been classified as a Variant of Uncertain Significance.

GeneDx
Classification: Likely benign. Last evaluated: 2017-04-17. Review status: criteria provided, single submitter. Criteria: GeneDx Variant Classification (06012015). Collection method: clinical testing. Allele origin: germline. Affected: yes.
Comment: This variant is considered likely benign or benign based on one or more of the following criteria: it is a conservative change, it occurs at a poorly conserved position in the protein, it is predicted to be benign by multiple in silico algorithms, and/or has population frequency not consistent with disease.

PreventionGenetics, part of Exact Sciences
Classification: Likely benign for GBA2-related condition. Last evaluated: 2019-07-10. Review status: no assertion criteria provided. Collection method: clinical testing. Allele origin: germline. Not counted in ClinVar's aggregate classification.
Comment: This variant is classified as likely benign based on ACMG/AMP sequence variant interpretation guidelines (Richards et al. 2015 PMID: 25741868, with internal and published modifications).

Literature cited by the submitters: PubMed 17576681 (cited by Labcorp Genetics (formerly Invitae), Labcorp); PubMed 9536098 (cited by Labcorp Genetics (formerly Invitae), Labcorp).

NM_020944.3(GBA2):c.2054+6C>T

Gene: GBA2 (glucosylceramidase beta 2; minus strand). Cytogenetic location: 9p13.3.
Variant type: single nucleotide variant.
Coding change: c.2054+6C>T on transcript NM_020944.3 (MANE Select); 6 bases into the intron after coding-DNA position 2054, C replaced by T.
Molecular consequence: intron variant.
Genome position (GRCh38, 1-based): chr9:35,738,520, G>A on the plus strand (C>T on the coding strand, the complement: GBA2 is on the minus strand). VCF-style: chr9-35738520-G-A. GRCh37 (hg19) VCF-style: chr9-35738517-G-A.
Other names: c.2054+6C>T (NM_001330660.2).
Identifiers: ClinVar variation 509015 (VCV000509015.24), dbSNP rs148315388, ClinGen allele CA5050213.